The following is an entry in ClinVar:

NM_001365999.1(SZT2):c.9715dup (p.Ile3239fs)

Genes: SZT2 (SZT2 subunit of KICSTOR complex; plus strand), SZT2-AS1 (SZT2 antisense RNA 1; minus strand). Cytogenetic location: 1p34.2.
Variant type: Duplication.
Coding change: c.9715dup on transcript NM_001365999.1 (MANE Select); coding-DNA position 9715, one base duplicated (A; older notation c.9715dupA).
Protein change: p.Ile3239fs; shifts the reading frame from isoleucine 3239.
Molecular consequence: frameshift variant. On other transcripts: non-coding transcript variant (1).
Genome position (GRCh38, 1-based): chr1:43,448,230, A duplicated. VCF-style (leftmost placement, unchanged base first): chr1-43448229-T-TA. GRCh37 (hg19) VCF-style: chr1-43913900-T-TA.
Other names: c.9544dup, p.Ile3182fs (NM_015284.4); short protein forms I3182fs, I3239fs.
Identifiers: ClinVar variation 836118 (VCV000836118.7), dbSNP rs1655927823, ClinGen allele CA916082023.

ClinVar aggregate classification (germline): Pathogenic (1 of 4 stars; one submission).

Allele frequency attached by ClinVar (database versions not stated): TOPMed 0.00001.

Submission:

Labcorp Genetics (formerly Invitae), Labcorp
Classification: Pathogenic. Last evaluated: 2019-09-14. Review status: criteria provided, single submitter. Criteria: Invitae Variant Classification Sherloc (09022015). Collection method: clinical testing. Allele origin: germline.
Comment: This variant has not been reported in the literature in individuals with SZT2-related conditions. For these reasons, this variant has been classified as Pathogenic. Loss-of-function variants in SZT2 are known to be pathogenic (PMID: 23932106, 27248490, 28556953). This variant is not present in population databases (ExAC no frequency). This sequence change creates a premature translational stop signal (p.Ile3182Asnfs*53) in the SZT2 gene. It is expected to result in an absent or disrupted protein product.

Literature cited by the submitters: PubMed 23932106; PubMed 27248490; PubMed 28556953.